The following is an entry in ClinVar:

ClinVar aggregate classification (germline): Uncertain significance (0 of 4 stars; one submission).

Submission:

Martin Pollak Laboratory,  Beth Israel Deaconess Medical Center
Classification: Uncertain significance. Review status: no assertion criteria provided. Collection method: not provided. Allele origin: unknown.
Comment: Higher UCa2+ group
ClinVar note: Converted during submission from unknown to Uncertain significance.

NM_018646.6(TRPV6):c.1904C>A (p.Ala635Asp)

Gene: TRPV6 (transient receptor potential cation channel subfamily V member 6; minus strand). Cytogenetic location: 7q34.
Variant type: single nucleotide variant.
Coding change: c.1904C>A on transcript NM_018646.6 (MANE Select); coding-DNA position 1904, C replaced by A.
Protein change: p.Ala635Asp; replaces alanine 635 with aspartic acid.
Molecular consequence: missense variant.
Genome position (GRCh38, 1-based): chr7:142,873,452, G>T on the plus strand (C>A on the coding strand, the complement: TRPV6 is on the minus strand). VCF-style: chr7-142873452-G-T. GRCh37 (hg19) VCF-style: chr7-142571205-G-T.
Other names: short protein forms A635D.
Identifiers: ClinVar variation 64566 (VCV000064566.2), dbSNP rs387907548, ClinGen allele CA216415.
Genomic context (GRCh38, chr7:142,873,452, plus strand): 5'-TCCTTGGTAGGAAGGGGATGACTTGCCCTAACCCTCCCTGCCACCAGGGGGCTCACCTGG[G>T]CCCTCCACAGCTCATCCCGCTCATGGGCCACTCGCCAGTGAGTGTCGCCCATCATGGCAA-3'
Protein context (NP_061116.5, residues 625-645): VAHERDELWR[Ala635Asp]QIVATTVMLE